The following is an entry in ClinVar:

ClinVar aggregate classification (germline): Uncertain significance. Review status: criteria provided, multiple submitters, no conflicts (2 of 4 stars). 2 submissions from 2 submitters: Uncertain significance (2). Last evaluated 2024-12-16.

Conditions:
Neurodevelopmental disorder with involuntary movements (NEDIM). Identifiers: Orphanet 592564, MedGen C4479569, MONDO:0060491, OMIM 617493.
Developmental and epileptic encephalopathy, 17 (DEE17). Also called: Early infantile epileptic encephalopathy 17. Identifiers: Orphanet 1934, MedGen C3809606, MONDO:0014199, OMIM 615473.

Submissions (2):

3billion
Classification: Uncertain significance for Neurodevelopmental disorder with involuntary movements. Last evaluated: 2024-12-16. Review status: criteria provided, single submitter. Criteria: ACMG Guidelines, 2015. Collection method: clinical testing. Allele origin: germline. Affected: yes.
Comment: The variant is not observed in the gnomAD v4.1.0 dataset. Predicted Consequence/Location: Missense variant. Missense changes are a common disease-causing mechanism. In silico tool predictions suggest damaging effect of the variant on gene or gene product [REVEL: 0.86 (>=0.6, sensitivity 0.68 and specificity 0.92); 3Cnet: 0.74 (>=0.6, sensitivity 0.72 and precision 0.9)]. The same nucleotide change resulting in the same amino acid change has been previously reported to be associated with GNAO1-related disorder (PMID: 37225406). Therefore, this variant is classified as VUS according to the recommendation of ACMG/AMP guideline.

Neuberg Centre For Genomic Medicine, NCGM
Classification: Uncertain significance for Developmental and epileptic encephalopathy, 17. Last evaluated: 2023-05-20. Review status: criteria provided, single submitter. Criteria: ACMG Guidelines, 2015. Collection method: clinical testing. Allele origin: germline. Inheritance: Autosomal dominant inheritance. Affected: yes.
Comment: The observed missense c.674G>A(p.Cys225Tyr) variant in GNAO1 gene has not been reported previously as a pathogenic variant nor as a benign variant, to our knowledge. This variant is absent in gnomAD Exomes. The amino acid Cys at position 225 is changed to a Tyr changing protein sequence and it might alter its composition and physico-chemical properties. The amino acid change p.Cys225Tyr in GNAO1 is predicted as conserved by GERP++ and PhyloP across 100 vertebrates. Multiple lines of computational evidence (Polyphen - Damaging, SIFT - Damaging, and MutationTaster - Disease causing) predict a damaging effect on protein structure and function for this variant. For these reasons, this variant has been classified as Uncertain Significance.

Literature cited by the submitters: PubMed 37225406 (cited by 3billion).

NM_020988.3(GNAO1):c.674G>A (p.Cys225Tyr)

Gene: GNAO1 (G protein subunit alpha o1; plus strand). Cytogenetic location: 16q13.
Variant type: single nucleotide variant.
Coding change: c.674G>A on transcript NM_020988.3 (MANE Select); coding-DNA position 674, G replaced by A.
Protein change: p.Cys225Tyr; replaces cysteine 225 with tyrosine.
Molecular consequence: missense variant.
Genome position (GRCh38, 1-based): chr16:56,336,811, G>A. VCF-style: chr16-56336811-G-A. GRCh37 (hg19) VCF-style: chr16-56370723-G-A.
Other names: c.674G>A, p.Cys225Tyr (NM_138736.3); short protein forms C225Y.
Identifiers: ClinVar variation 3341423 (VCV003341423.2).
Genomic context (GRCh38, chr16:56,336,811, plus strand): 5'-AGCGATCTGAACGCAAGAAGTGGATCCATTGCTTCGAGGACGTCACGGCCATCATTTTCT[G>A]TGTCGCGCTCAGCGGCTATGACCAGGTGCTCCACGAAGACGAAACCACGGTGAGTGGCCT-3'
Protein context (NP_066268.1, residues 215-235): CFEDVTAIIF[Cys225Tyr]VALSGYDQVL